The following is an entry in ClinVar:

ClinVar aggregate classification (germline): Uncertain significance (1 of 4 stars; one submission).

gnomAD v4.1: 2 of 1,614,164 alleles (0.00012%); highest among the groups gnomAD compares: Non-Finnish European, 0.00017%; no homozygotes.

Submission:

Labcorp Genetics (formerly Invitae), Labcorp
Classification: Uncertain significance. Last evaluated: 2022-05-19. Review status: criteria provided, single submitter. Criteria: Invitae Variant Classification Sherloc (09022015). Collection method: clinical testing. Allele origin: germline.
Comment: This sequence change replaces threonine, which is neutral and polar, with asparagine, which is neutral and polar, at codon 2143 of the SHANK1 protein (p.Thr2143Asn). This variant is not present in population databases (gnomAD no frequency). This variant has not been reported in the literature in individuals affected with SHANK1-related conditions. Experimental studies and prediction algorithms are not available or were not evaluated, and the functional significance of this variant is currently unknown. In summary, the available evidence is currently insufficient to determine the role of this variant in disease. Therefore, it has been classified as a Variant of Uncertain Significance.

NM_016148.5(SHANK1):c.6428C>A (p.Thr2143Asn)

Gene: SHANK1 (SH3 and multiple ankyrin repeat domains 1; minus strand). Cytogenetic location: 19q13.33.
Variant type: single nucleotide variant.
Coding change: c.6428C>A on transcript NM_016148.5 (MANE Select); coding-DNA position 6428, C replaced by A.
Protein change: p.Thr2143Asn; replaces threonine 2143 with asparagine.
Molecular consequence: missense variant.
Genome position (GRCh38, 1-based): chr19:50,662,023, G>T on the plus strand (C>A on the coding strand, the complement: SHANK1 is on the minus strand). VCF-style: chr19-50662023-G-T. GRCh37 (hg19) VCF-style: chr19-51165280-G-T.
Other names: short protein forms T2143N.
Identifiers: ClinVar variation 2415578 (VCV002415578.6), dbSNP rs1029454217, ClinGen allele CA309619953.